The following is an entry in ClinVar:

ClinVar aggregate classification (germline): Conflicting classifications of pathogenicity. Review status: criteria provided, conflicting classifications (1 of 4 stars). 3 submissions from 3 submitters: Uncertain significance (2); Likely benign (1). Last evaluated 2025-10-28.

Conditions:
Inborn genetic diseases. Identifiers: MedGen C0950123, MeSH D030342.

Allele frequency attached by ClinVar (database versions not stated): gnomAD 0.00001 and 0.00003; TOPMed 0.00005; ExAC 0.00014; gnomAD exomes 0.00015; 1000 Genomes Project 0.00060; 1000 Genomes Project 30x 0.00078.
gnomAD v4.1: 42 of 1,613,490 alleles (0.0026%); highest among the groups gnomAD compares: Admixed American, 0.068%; no homozygotes.

Submissions (3):

Labcorp Genetics (formerly Invitae), Labcorp
Classification: Likely benign. Last evaluated: 2025-10-28. Review status: criteria provided, single submitter. Criteria: Invitae Variant Classification Sherloc (09022015). Collection method: clinical testing. Allele origin: germline.

Ambry Genetics
Classification: Uncertain significance for Inborn genetic diseases. Last evaluated: 2025-03-07. Review status: criteria provided, single submitter. Criteria: Ambry Variant Classification Scheme 2023. Collection method: clinical testing. Allele origin: germline.

GeneDx
Classification: Uncertain significance. Last evaluated: 2019-04-17. Review status: criteria provided, single submitter. Criteria: GeneDx Variant Classification Process June 2021. Collection method: clinical testing. Allele origin: germline. Affected: yes.
Comment: In silico analysis, which includes protein predictors and evolutionary conservation, supports that this variant does not alter protein structure/function; Has not been previously published as pathogenic or benign to our knowledge; Variants in candidate genes are classified as variants of uncertain significance in accordance with ACMG guidelines (Richards et al., 2015)

NM_002941.4(ROBO1):c.2512G>A (p.Val838Ile)

Gene: ROBO1 (roundabout guidance receptor 1; minus strand). Cytogenetic location: 3p12.3.
Variant type: single nucleotide variant.
Coding change: c.2512G>A on transcript NM_002941.4 (MANE Select); coding-DNA position 2512, G replaced by A.
Protein change: p.Val838Ile; replaces valine 838 with isoleucine.
Molecular consequence: missense variant.
Genome position (GRCh38, 1-based): chr3:78,657,200, C>T on the plus strand (G>A on the coding strand, the complement: ROBO1 is on the minus strand). VCF-style: chr3-78657200-C-T. GRCh37 (hg19) VCF-style: chr3-78706350-C-T.
Other names: c.2404G>A, p.Val802Ile (NM_001145845.2, NM_133631.4); short protein forms V802I, V838I.
Identifiers: ClinVar variation 1316476 (VCV001316476.7), dbSNP rs189089312, ClinGen allele CA2498646.